The following is an entry in ClinVar:

ClinVar aggregate classification (germline): Benign/Likely benign. Review status: criteria provided, multiple submitters, no conflicts (2 of 4 stars). 3 submissions from 3 submitters: Benign (1); Likely benign (1). 1 of the submissions does not count toward it. Last evaluated 2024-11-06.

Conditions:
BLTP1-related disorder. Also called: BLTP1-related condition.

Allele frequency attached by ClinVar (database versions not stated): gnomAD exomes 0.00027 and 0.00078; ExAC 0.00107; gnomAD 0.00317 and 0.00337; ESP Exome Variant Server 0.00362; 1000 Genomes Project 30x 0.00375; 1000 Genomes Project 0.00379; TOPMed 0.00388.
gnomAD v4.1: 895 of 1,613,892 alleles (0.055%); highest among the groups gnomAD compares: African/African-American, 1.1%; 6 homozygotes.

Submissions (3):

Blueprint Genetics
Classification: Likely benign. Last evaluated: 2024-11-06. Review status: criteria provided, single submitter. Criteria: ACMG Guidelines, 2015. Collection method: clinical testing. Allele origin: germline.

Labcorp Genetics (formerly Invitae), Labcorp
Classification: Benign. Last evaluated: 2019-12-31. Review status: criteria provided, single submitter. Criteria: Invitae Variant Classification Sherloc (09022015). Collection method: clinical testing. Allele origin: germline.

PreventionGenetics, part of Exact Sciences
Classification: Benign for BLTP1-related condition. Last evaluated: 2019-08-29. Review status: no assertion criteria provided. Collection method: clinical testing. Allele origin: germline. Not counted in ClinVar's aggregate classification.
Comment: This variant is classified as benign based on ACMG/AMP sequence variant interpretation guidelines (Richards et al. 2015 PMID: 25741868, with internal and published modifications).

NM_001384125.1(BLTP1):c.6160T>C (p.Leu2054=)

Gene: BLTP1 (bridge-like lipid transfer protein family member 1; plus strand). Cytogenetic location: 4q27.
Variant type: single nucleotide variant.
Coding change: c.6160T>C on transcript NM_001384125.1 (MANE Select); coding-DNA position 6160, T replaced by C.
Protein change: p.Leu2054=; no amino-acid change (leucine 2054 retained).
Molecular consequence: synonymous variant.
Genome position (GRCh38, 1-based): chr4:122,254,890, T>C. VCF-style: chr4-122254890-T-C. GRCh37 (hg19) VCF-style: chr4-123176045-T-C.
Other names: c.6160T>C, p.Leu2054= (NM_015312.4).
Identifiers: ClinVar variation 718050 (VCV000718050.7), dbSNP rs190261239, ClinGen allele CA3066763.